The following is an entry in ClinVar:

NM_017950.4(CCDC40):c.2740del (p.Ile914fs)

Gene: CCDC40 (coiled-coil domain 40 molecular ruler complex subunit; plus strand). Cytogenetic location: 17q25.3.
Variant type: Deletion.
Coding change: c.2740del on transcript NM_017950.4 (MANE Select); coding-DNA position 2740, one base deleted (A; older notation c.2740delA).
Protein change: p.Ile914fs; shifts the reading frame from isoleucine 914.
Molecular consequence: frameshift variant.
Genome position (GRCh38, 1-based): chr17:80,089,792, A deleted; the last of 7 consecutive A bases (chr17:80,089,786-80,089,792); deleting any one gives the same sequence. VCF-style (leftmost placement, unchanged base first): chr17-80089785-GA-G. GRCh37 (hg19) VCF-style: chr17-78063584-GA-G.
Other names: c.2740del, p.Ile914fs (NM_001243342.2); short protein forms I914fs.
Identifiers: ClinVar variation 2843024 (VCV002843024.3), dbSNP rs1353073416, ClinGen allele CA2640268750.
Genomic context (GRCh38, chr17:80,089,785, plus strand): 5'-AACTCCTAATTTCTTACACTGCCTCTCCTACCTCTAAAGACACCAGATTATGCTTTGGGA[GA>G]AAAAAATCCAACTGGCAAAAGAGATGCGTTCCTCAGTGGATTCCGAGATCGGCCAGACGG-3'

ClinVar aggregate classification (germline): Pathogenic (1 of 4 stars; one submission).

Conditions:
Primary ciliary dyskinesia. Also called: Ciliary dyskinesia. Identifiers: Orphanet 244, MedGen C0008780, MONDO:0016575, HP:0012265.

Submission:

Labcorp Genetics (formerly Invitae), Labcorp
Classification: Pathogenic for Primary ciliary dyskinesia. Last evaluated: 2023-03-04. Review status: criteria provided, single submitter. Criteria: Invitae Variant Classification Sherloc (09022015). Collection method: clinical testing. Allele origin: germline.
Comment: This sequence change creates a premature translational stop signal (p.Ile914Serfs*23) in the CCDC40 gene. It is expected to result in an absent or disrupted protein product. Loss-of-function variants in CCDC40 are known to be pathogenic (PMID: 21131974, 22693285, 23255504). This variant is not present in population databases (gnomAD no frequency). This variant has not been reported in the literature in individuals affected with CCDC40-related conditions. For these reasons, this variant has been classified as Pathogenic.

Literature cited by the submitters: PubMed 21131974; PubMed 22693285; PubMed 23255504.